The following is an entry in ClinVar:

NM_016194.4(GNB5):c.627+1G>A

Gene: GNB5 (G protein subunit beta 5; minus strand). Cytogenetic location: 15q21.2.
Variant type: single nucleotide variant.
Coding change: c.627+1G>A on transcript NM_016194.4 (MANE Select); the canonical splice donor site of the intron after coding-DNA position 627, G replaced by A.
Molecular consequence: splice donor variant.
Genome position (GRCh38, 1-based): chr15:52,141,139, C>T on the plus strand (G>A on the coding strand, the complement: GNB5 is on the minus strand). VCF-style: chr15-52141139-C-T. GRCh37 (hg19) VCF-style: chr15-52433336-C-T.
Other names: c.501+1G>A (NM_006578.4); c.345+1G>A (NM_001379343.1).
Identifiers: ClinVar variation 4291728 (VCV004291728.1).
Genomic context (GRCh38, chr15:52,141,139, plus strand): 5'-TCTCAGCTCCTCTTTAGTGCTCCTTGGCAGGTCAACCTGACACCGGGGGCTGCCTATTTA[C>T]CTGCATGTCAGAGTTGGTGAAGCTGCAGGCCGACAGGTAGTTGGTGTGCATAGCAACAGA-3'

ClinVar aggregate classification (germline): Pathogenic (1 of 4 stars; one submission).

Conditions:
GNB5-related disorder. Also called: GNB5-related condition; GNB5-related disorders.

Submission:

3billion
Classification: Pathogenic for GNB5-related disorder. Last evaluated: 2025-03-04. Review status: criteria provided, single submitter. Criteria: ACMG Guidelines, 2015. Collection method: clinical testing. Allele origin: germline. Affected: yes.
Comment: The variant is not observed in the gnomAD v4.1.0 dataset. Predicted Consequence/Location: Canonical splice site: predicted to alter splicing and result in a loss or disruption of normal protein function. Multiple pathogenic loss-of-function variants are reported downstream of the variant. Therefore, this variant is classified as Pathogenic according to the recommendation of ACMG/AMP guideline.